The following is an entry in ClinVar:

ClinVar aggregate classification (germline): Conflicting classifications of pathogenicity. Review status: criteria provided, conflicting classifications (1 of 4 stars). 4 submissions from 4 submitters: Uncertain significance (3); Likely benign (1). Last evaluated 2024-10-19.

Conditions:
Brugada syndrome 2 (BRGDA2). Identifiers: Orphanet 130, MedGen C2673193, MONDO:0012728, OMIM 611777.
Cardiovascular phenotype. Identifiers: MedGen CN230736.
Brugada syndrome. Also called: Sudden Unexplained Death Syndrome; Sudden Unexplained Nocturnal Death Syndrome (SUNDS); Sudden unexplained nocturnal death syndrome; Sudden unexpected nocturnal death syndrome. Identifiers: Orphanet 130, MedGen C1142166, MONDO:0015263.

Allele frequency attached by ClinVar (database versions not stated): gnomAD 0.00001 and 0.00003; TOPMed 0.00002; ExAC 0.00003; gnomAD exomes 0.00003.
gnomAD v4.1: 31 of 1,613,878 alleles (0.0019%); highest among the groups gnomAD compares: East Asian, 0.0045%; no homozygotes.

Submissions (4):

Ambry Genetics
Classification: Uncertain significance for Cardiovascular phenotype. Last evaluated: 2024-10-19. Review status: criteria provided, single submitter. Criteria: Ambry Variant Classification Scheme 2023. Collection method: clinical testing. Allele origin: germline.
Comment: The p.R139H variant (also known as c.416G>A), located in coding exon 4 of the GPD1L gene, results from a G to A substitution at nucleotide position 416. The arginine at codon 139 is replaced by histidine, an amino acid with highly similar properties. This amino acid position is well conserved in available vertebrate species. In addition, this alteration is predicted to be tolerated by in silico analysis. Since supporting evidence is limited at this time, the clinical significance of this alteration remains unclear.

Blueprint Genetics
Classification: Likely benign. Last evaluated: 2023-05-19. Review status: criteria provided, single submitter. Criteria: ACMG Guidelines, 2015. Collection method: clinical testing. Allele origin: germline.

Fulgent Genetics
Classification: Uncertain significance for Brugada syndrome 2. Last evaluated: 2021-09-16. Review status: criteria provided, single submitter. Criteria: ACMG Guidelines, 2015. Collection method: clinical testing. Allele origin: unknown.

Labcorp Genetics (formerly Invitae), Labcorp
Classification: Uncertain significance for Brugada syndrome. Last evaluated: 2021-08-28. Review status: criteria provided, single submitter. Criteria: Invitae Variant Classification Sherloc (09022015). Collection method: clinical testing. Allele origin: germline.
Comment: This sequence change replaces arginine with histidine at codon 139 of the GPD1L protein (p.Arg139His). The arginine residue is moderately conserved and there is a small physicochemical difference between arginine and histidine. This variant is present in population databases (rs775043567, ExAC 0.01%). This variant has not been reported in the literature in individuals affected with GPD1L-related conditions. Algorithms developed to predict the effect of missense changes on protein structure and function are either unavailable or do not agree on the potential impact of this missense change (SIFT: "Tolerated"; PolyPhen-2: "Probably Damaging"; Align-GVGD: "Class C0"). In summary, the available evidence is currently insufficient to determine the role of this variant in disease. Therefore, it has been classified as a Variant of Uncertain Significance.

NM_015141.4(GPD1L):c.416G>A (p.Arg139His)

Gene: GPD1L (glycerol-3-phosphate dehydrogenase 1 like; plus strand). Cytogenetic location: 3p22.3.
Variant type: single nucleotide variant.
Coding change: c.416G>A on transcript NM_015141.4 (MANE Select); coding-DNA position 416, G replaced by A.
Protein change: p.Arg139His; replaces arginine 139 with histidine.
Molecular consequence: missense variant.
Genome position (GRCh38, 1-based): chr3:32,140,277, G>A. VCF-style: chr3-32140277-G-A. GRCh37 (hg19) VCF-style: chr3-32181769-G-A.
Other names: short protein forms R139H.
Identifiers: ClinVar variation 1047243 (VCV001047243.7), dbSNP rs775043567, ClinGen allele CA2296643.